The following is an entry in ClinVar:

NM_198334.3(GANAB):c.630+1G>A

Gene: GANAB (glucosidase II alpha subunit; minus strand). Cytogenetic location: 11q12.3.
Variant type: single nucleotide variant.
Coding change: c.630+1G>A on transcript NM_198334.3 (MANE Select); the canonical splice donor site of the intron after coding-DNA position 630, G replaced by A.
Molecular consequence: splice donor variant.
Genome position (GRCh38, 1-based): chr11:62,633,444, C>T on the plus strand (G>A on the coding strand, the complement: GANAB is on the minus strand). VCF-style: chr11-62633444-C-T. GRCh37 (hg19) VCF-style: chr11-62400916-C-T.
Other names: c.288+1G>A (NM_001278193.2); c.354+1G>A (NM_001278192.2); c.339+1G>A (NM_001329223.2, NM_001278194.2, NM_001329222.2); c.-94+1G>A (NM_001329225.2, NM_001329224.2); c.696+1G>A (NM_198335.4).
Identifiers: ClinVar variation 4732149 (VCV004732149.1).

ClinVar aggregate classification (germline): Likely pathogenic (1 of 4 stars; one submission).

Submission:

Labcorp Genetics (formerly Invitae), Labcorp
Classification: Likely pathogenic. Last evaluated: 2025-11-27. Review status: criteria provided, single submitter. Criteria: Invitae Variant Classification Sherloc (09022015). Collection method: clinical testing. Allele origin: germline.
Comment: This sequence change affects a donor splice site in intron 7 of the GANAB gene. It is expected to disrupt RNA splicing. Variants that disrupt the donor or acceptor splice site typically lead to a loss of protein function (PMID: 16199547), and loss-of-function variants in GANAB are known to be pathogenic (PMID: 27259053). This variant is not present in population databases (gnomAD no frequency). This variant has not been reported in the literature in individuals affected with GANAB-related conditions. Algorithms developed to predict the effect of sequence changes on RNA splicing suggest that this variant may disrupt the consensus splice site. In summary, the currently available evidence indicates that the variant is pathogenic, but additional data are needed to prove that conclusively. Therefore, this variant has been classified as Likely Pathogenic.

Literature cited by the submitters: PubMed 16199547; PubMed 27259053.